The following is an entry in ClinVar:

NM_080732.4(EGLN2):c.835C>T (p.Arg279Cys)

Genes: EGLN2 (egl-9 family hypoxia inducible factor 2; plus strand), RAB4B-EGLN2 (RAB4B-EGLN2 readthrough (NMD candidate); plus strand). Cytogenetic location: 19q13.2.
Variant type: single nucleotide variant.
Coding change: c.835C>T on transcript NM_080732.4 (MANE Select); coding-DNA position 835, C replaced by T.
Protein change: p.Arg279Cys; replaces arginine 279 with cysteine.
Molecular consequence: missense variant. On other transcripts: non-coding transcript variant (1).
Genome position (GRCh38, 1-based): chr19:40,801,407, C>T. VCF-style: chr19-40801407-C-T. GRCh37 (hg19) VCF-style: chr19-41307312-C-T.
Other names: c.835C>T, p.Arg279Cys (NM_053046.4); short protein forms R279C.
Identifiers: ClinVar variation 1763076 (VCV001763076.2), dbSNP rs2083257282, ClinGen allele CA405956073.
Genomic context (GRCh38, chr19:40,801,407, plus strand): 5'-CATGTGGACGCCGTCATCCGCCACTGCGCAGGGCGGCTGGGCAGCTATGTCATCAACGGG[C>T]GCACCAAGGTAAGGCTAGGTGGGGGCCTCTTTGGAGGGGCTTTGCAGCACCCTGGTTTGC-3'
Protein context (NP_542770.2, residues 269-289): GRLGSYVING[Arg279Cys]TKAMVACYPG

ClinVar aggregate classification (germline): Uncertain significance (1 of 4 stars; one submission).

Allele frequency attached by ClinVar (database versions not stated): gnomAD exomes below 0.00001; TOPMed 0.00001.
gnomAD v4.1: 2 of 1,603,940 alleles (0.00012%); highest among the groups gnomAD compares: Non-Finnish European, 0.00017%; no homozygotes.

Submission:

Ambry Genetics
Classification: Uncertain significance. Last evaluated: 2022-07-02. Review status: criteria provided, single submitter. Criteria: Ambry Variant Classification Scheme 2023. Collection method: clinical testing. Allele origin: germline.
Comment: The p.R279C variant (also known as c.835C>T), located in coding exon 1 of the EGLN2 gene, results from a C to T substitution at nucleotide position 835. The arginine at codon 279 is replaced by cysteine, an amino acid with highly dissimilar properties. This amino acid position is conserved. In addition, this alteration is predicted to be deleterious by in silico analysis. Since supporting evidence is limited at this time, the clinical significance of this alteration remains unclear.